The following is an entry in ClinVar:

NM_030777.4(SLC2A10):c.1448G>C (p.Gly483Ala)

Gene: SLC2A10 (solute carrier family 2 member 10; plus strand). Cytogenetic location: 20q13.12.
Variant type: single nucleotide variant.
Coding change: c.1448G>C on transcript NM_030777.4 (MANE Select); coding-DNA position 1448, G replaced by C.
Protein change: p.Gly483Ala; replaces glycine 483 with alanine.
Molecular consequence: missense variant.
Genome position (GRCh38, 1-based): chr20:46,729,389, G>C. VCF-style: chr20-46729389-G-C. GRCh37 (hg19) VCF-style: chr20-45358028-G-C.
Other names: short protein forms G483A.
Identifiers: ClinVar variation 3228063 (VCV003228063.1), dbSNP rs1980151023, ClinGen allele CA409273205.
Genomic context (GRCh38, chr20:46,729,389, plus strand): 5'-ACACTCCCGCCCTCCTGTTTCCAGGCACCATCGGCTTGTCCTGGACCTTCCTGCTCTACG[G>C]ACTGACCGCTGTCCTCGGCCTGGGCTTCATCTATTTATTTGTTCCTGAAACAAAAGGCCA-3'
Protein context (NP_110404.1, residues 473-493): IGLSWTFLLY[Gly483Ala]LTAVLGLGFI

ClinVar aggregate classification (germline): Uncertain significance (1 of 4 stars; one submission).

Conditions:
Familial thoracic aortic aneurysm and aortic dissection (TAAD). Also called: Thoracic aortic aneurysms and dissections. Identifiers: Orphanet 91387, MedGen C4707243, MONDO:0019625.

Allele frequency attached by ClinVar (database versions not stated): gnomAD exomes below 0.00001.
gnomAD v4.1: 4 of 1,613,968 alleles (0.00025%); highest among the groups gnomAD compares: Non-Finnish European, 0.00034%; no homozygotes.

Submission:

Ambry Genetics
Classification: Uncertain significance for Familial thoracic aortic aneurysm and aortic dissection. Last evaluated: 2024-02-28. Review status: criteria provided, single submitter. Criteria: Ambry Variant Classification Scheme 2023. Collection method: clinical testing. Allele origin: germline.
Comment: The p.G483A variant (also known as c.1448G>C), located in coding exon 4 of the SLC2A10 gene, results from a G to C substitution at nucleotide position 1448. The glycine at codon 483 is replaced by alanine, an amino acid with similar properties. This amino acid position is conserved. In addition, this alteration is predicted to be tolerated by in silico analysis. Based on the available evidence, the clinical significance of this alteration remains unclear.